The following is an entry in ClinVar:

NM_001036.6(RYR3):c.4818C>A (p.Phe1606Leu)

Gene: RYR3 (ryanodine receptor 3; plus strand). Cytogenetic location: 15q14.
Variant type: single nucleotide variant.
Coding change: c.4818C>A on transcript NM_001036.6 (MANE Select); coding-DNA position 4818, C replaced by A.
Protein change: p.Phe1606Leu; replaces phenylalanine 1606 with leucine.
Molecular consequence: missense variant.
Genome position (GRCh38, 1-based): chr15:33,662,348, C>A. VCF-style: chr15-33662348-C-A. GRCh37 (hg19) VCF-style: chr15-33954549-C-A.
Other names: c.4818C>A, p.Phe1606Leu (NM_001243996.4); short protein forms F1606L.
Identifiers: ClinVar variation 1045722 (VCV001045722.8), dbSNP rs754438842, ClinGen allele CA7459120.

ClinVar aggregate classification (germline): Uncertain significance (1 of 4 stars; one submission).

Conditions:
Epileptic encephalopathy. Identifiers: MedGen C0543888, HP:0200134.

Allele frequency attached by ClinVar (database versions not stated): ExAC 0.00001.
gnomAD v4.1: 2 of 1,612,670 alleles (0.00012%); highest among the groups gnomAD compares: South Asian, 0.0011%; no homozygotes.

Submission:

Labcorp Genetics (formerly Invitae), Labcorp
Classification: Uncertain significance for Epileptic encephalopathy. Last evaluated: 2022-07-12. Review status: criteria provided, single submitter. Criteria: Invitae Variant Classification Sherloc (09022015). Collection method: clinical testing. Allele origin: germline.
Comment: In summary, the available evidence is currently insufficient to determine the role of this variant in disease. Therefore, it has been classified as a Variant of Uncertain Significance. Algorithms developed to predict the effect of missense changes on protein structure and function are either unavailable or do not agree on the potential impact of this missense change (SIFT: "Deleterious"; PolyPhen-2: "Benign"; Align-GVGD: "Class C15"). ClinVar contains an entry for this variant (Variation ID: 1045722). This variant has not been reported in the literature in individuals affected with RYR3-related conditions. This variant is present in population databases (rs754438842, gnomAD 0.003%). This sequence change replaces phenylalanine, which is neutral and non-polar, with leucine, which is neutral and non-polar, at codon 1606 of the RYR3 protein (p.Phe1606Leu).